The following is an entry in ClinVar:

NM_145725.3(TRAF3):c.1112C>T (p.Ala371Val)

Gene: TRAF3 (TNF receptor associated factor 3; plus strand). Cytogenetic location: 14q32.32.
Variant type: single nucleotide variant.
Coding change: c.1112C>T on transcript NM_145725.3 (MANE Select); coding-DNA position 1112, C replaced by T.
Protein change: p.Ala371Val; replaces alanine 371 with valine.
Molecular consequence: missense variant.
Genome position (GRCh38, 1-based): chr14:102,903,406, C>T. VCF-style: chr14-102903406-C-T. GRCh37 (hg19) VCF-style: chr14-103369743-C-T.
Other names: c.863C>T, p.Ala288Val (NM_001199427.2); c.971C>T, p.Ala324Val (NM_001385142.1); c.1031C>T, p.Ala344Val (NM_001385143.1); c.1112C>T, p.Ala371Val (NM_003300.4); c.1037C>T, p.Ala346Val (NM_145726.3); short protein forms A288V, A371V, A346V, A324V, A344V.
Identifiers: ClinVar variation 937027 (VCV000937027.11), dbSNP rs144719184, ClinGen allele CA7359508.
Genomic context (GRCh38, chr14:102,903,406, plus strand): 5'-AGAGCAGCGTGGAGTCCCTCCAGAACCGCGTGACCGAGCTGGAGAGCGTGGACAAGAGCG[C>T]GGGGCAAGTGGCTCGGAACACAGGTGAGGCAGGGGCCGGGGCCGGGCCAGCAGTGTGCAT-3'
Protein context (NP_663777.1, residues 361-381): VTELESVDKS[Ala371Val]GQVARNTGLL

ClinVar aggregate classification (germline): Uncertain significance. Review status: criteria provided, multiple submitters, no conflicts (2 of 4 stars). 2 submissions from 2 submitters: Uncertain significance (2). Last evaluated 2025-08-19.

Conditions:
Immunodeficiency 132A. Also called: Herpes simplex encephalitis, susceptibility to, 3. Identifiers: Orphanet 1930, MedGen C3553868, MONDO:0013920, OMIM 614849.

Allele frequency attached by ClinVar (database versions not stated): TOPMed 0.00002; 1000 Genomes Project 30x 0.00016; gnomAD 0.00002; ESP Exome Variant Server 0.00015.
gnomAD v4.1: 24 of 1,614,028 alleles (0.0015%); highest among the groups gnomAD compares: African/African-American, 0.0067%; no homozygotes.

Submissions (2):

Ambry Genetics
Classification: Uncertain significance. Last evaluated: 2025-08-19. Review status: criteria provided, single submitter. Criteria: Ambry Variant Classification Scheme 2023. Collection method: clinical testing. Allele origin: germline.

Labcorp Genetics (formerly Invitae), Labcorp
Classification: Uncertain significance for Immunodeficiency 132A. Last evaluated: 2024-10-12. Review status: criteria provided, single submitter. Criteria: Invitae Variant Classification Sherloc (09022015). Collection method: clinical testing. Allele origin: germline.
Comment: This sequence change replaces alanine, which is neutral and non-polar, with valine, which is neutral and non-polar, at codon 371 of the TRAF3 protein (p.Ala371Val). This variant is present in population databases (rs144719184, gnomAD 0.007%). This variant has not been reported in the literature in individuals affected with TRAF3-related conditions. ClinVar contains an entry for this variant (Variation ID: 937027). An algorithm developed to predict the effect of missense changes on protein structure and function (PolyPhen-2) suggests that this variant is likely to be tolerated. In summary, the available evidence is currently insufficient to determine the role of this variant in disease. Therefore, it has been classified as a Variant of Uncertain Significance.